The following is an entry in ClinVar:

ClinVar aggregate classification (germline): Conflicting classifications of pathogenicity. Review status: criteria provided, conflicting classifications (1 of 4 stars). 4 submissions from 4 submitters: Uncertain significance (2); Likely benign (2). Last evaluated 2026-03-09.

Conditions:
DNMT1-related disorder. Also called: DNMT1-related condition. Identifiers: MedGen CN381527.
Hereditary sensory neuropathy-deafness-dementia syndrome. Also called: Hereditary Sensory and Autonomic Neuropathy Type 1E (HSAN1E); HSN IE; NEUROPATHY, HEREDITARY SENSORY, WITH HEARING LOSS AND DEMENTIA; Hereditary sensory neuropathy type IE. Identifiers: Orphanet 456318, MedGen C3279885, MONDO:0013584, OMIM 614116.

Allele frequency attached by ClinVar (database versions not stated): gnomAD exomes 0.00001 and 0.00002; ExAC 0.00003; TOPMed 0.00006; gnomAD 0.00010; 1000 Genomes Project 0.00020; 1000 Genomes Project 30x 0.00031.
gnomAD v4.1: 35 of 1,612,386 alleles (0.0022%); highest among the groups gnomAD compares: African/African-American, 0.028%; no homozygotes.

Submissions (4):

PreventionGenetics, part of Exact Sciences
Classification: Likely benign for DNMT1-related condition. Last evaluated: 2026-03-09. Review status: criteria provided, single submitter. Criteria: ACMG Guidelines, 2015. Collection method: clinical testing. Allele origin: germline.
Comment: This variant is classified as likely benign based on ACMG/AMP sequence variant interpretation guidelines (Richards et al. 2015 PMID: 25741868, with internal and published modifications).

Labcorp Genetics (formerly Invitae), Labcorp
Classification: Likely benign for Hereditary sensory neuropathy-deafness-dementia syndrome. Last evaluated: 2025-08-07. Review status: criteria provided, single submitter. Criteria: Invitae Variant Classification Sherloc (09022015). Collection method: clinical testing. Allele origin: germline.

Greenwood Genetic Center Diagnostic Laboratories, Greenwood Genetic Center
Classification: Uncertain significance. Last evaluated: 2021-04-08. Review status: criteria provided, single submitter. Criteria: ACMG Guidelines, 2015. Collection method: clinical testing. Allele origin: germline. Affected: yes.
Comment: BP4

Eurofins Ntd Llc (ga)
Classification: Uncertain significance. Last evaluated: 2016-03-01. Review status: criteria provided, single submitter. Criteria: EGL Classification Definitions 2015. Collection method: clinical testing. Allele origin: germline. Observed: 1 variant allele, 1 heterozygote.

NM_001130823.3(DNMT1):c.1287C>T (p.Tyr429=)

Gene: DNMT1 (DNA methyltransferase 1; minus strand). Cytogenetic location: 19p13.2.
Variant type: single nucleotide variant.
Coding change: c.1287C>T on transcript NM_001130823.3 (MANE Select); coding-DNA position 1287, C replaced by T.
Protein change: p.Tyr429=; no amino-acid change (tyrosine 429 retained).
Molecular consequence: synonymous variant.
Genome position (GRCh38, 1-based): chr19:10,156,503, G>A on the plus strand (C>T on the coding strand, the complement: DNMT1 is on the minus strand). VCF-style: chr19-10156503-G-A. GRCh37 (hg19) VCF-style: chr19-10267179-G-A.
Other names: c.1239C>T, p.Tyr413= (NM_001318730.2, NM_001379.4); c.924C>T, p.Tyr308= (NM_001318731.2); c.1287C>T (NM_001130823.2).
Identifiers: ClinVar variation 286367 (VCV000286367.17), dbSNP rs536069799, ClinGen allele CA9188325.